The following is an entry in ClinVar:

ClinVar aggregate classification (germline): Uncertain significance. Review status: reviewed by expert panel (3 of 4 stars). 4 submissions from 4 submitters: Uncertain significance (1). 3 of the submissions do not count toward it. Last evaluated 2024-07-17.

Conditions:
Hereditary thrombocytopenia and hematologic cancer predisposition syndrome. Identifiers: Orphanet 71290, MedGen CN281654, MONDO:0011071.
Acute myeloid leukemia (AML). Also called: Acute myeloid leukemia, adult; AML adult; Acute non-lymphocytic leukemia; Acute granulocytic leukemia; Leukemia, acute myelogenous, somatic; Leukemia, acute myeloid, somatic. Identifiers: Orphanet 519, MedGen C0023467, MeSH D015470, MONDO:0018874, OMIM 601626, HP:0004808. Disease mechanism: Constitutively activated FLT3.
Inborn genetic diseases. Identifiers: MedGen C0950123, MeSH D030342.
Hereditary thrombocytopenia and hematological cancer predisposition syndrome associated with RUNX1. Also called: Familial Platelet Disorder with Propensity to Acute Myelogenous Leukemia; Familial thrombocytopenia with propensity to acute myelogenous leukemia; PLATELET DISORDER, ASPIRIN-LIKE; RUNX1 Familial Platelet Disorder with Associated Myeloid Malignancies. Identifiers: Orphanet 71290, MedGen C1832388, MeSH C563324, MONDO:0100083, OMIM 601399.

Submissions (4):

ClinGen Myeloid Malignancy Variant Curation Expert Panel
Classification: Uncertain significance for Hereditary thrombocytopenia and hematologic cancer predisposition syndrome. Last evaluated: 2024-07-17. Review status: reviewed by expert panel. Criteria: ClinGen MyeloMalig ACMG Specifications v2. Collection method: curation. Allele origin: germline. Inheritance: Autosomal dominant inheritance.
Comment: NM_001754.5(RUNX1):c.443C>T (p.Thr148Ile) is a missense variant affecting one of the residues within the runt homology domain, but not a known hotspot residue (PM1_supporting). This variant is not present in gnomAD v2.1.1 and v3.1.2 (PM2_supporting), indicating its absence from population databases. In summary, the clinical significance of this variant is uncertain. ACMG/AMP criteria have been applied as specified by the Myeloid Malignancy Variant Curation Expert Panel for RUNX1: PM1_supporting, PM2_supporting.

Ambry Genetics
Classification: Uncertain significance for Inborn genetic diseases. Last evaluated: 2026-01-26. Review status: criteria provided, single submitter. Criteria: Ambry Variant Classification Scheme 2023. Collection method: clinical testing. Allele origin: germline. Not counted in ClinVar's aggregate classification.
Comment: The p.T148I variant (also known as c.443C>T), located in coding exon 4 of the RUNX1 gene, results from a C to T substitution at nucleotide position 443. The threonine at codon 148 is replaced by isoleucine, an amino acid with similar properties. This amino acid position is well conserved in available vertebrate species. In addition, this alteration is predicted to be deleterious by in silico analysis. Based on the available evidence, the clinical significance of this variant remains unclear.

Baylor Genetics
Classification: Uncertain significance for Acute myeloid leukemia. Last evaluated: 2023-12-29. Review status: criteria provided, single submitter. Criteria: ACMG Guidelines, 2015. Collection method: clinical testing. Allele origin: unknown. Not counted in ClinVar's aggregate classification.

Labcorp Genetics (formerly Invitae), Labcorp
Classification: Uncertain significance for Hereditary thrombocytopenia and hematological cancer predisposition syndrome associated with RUNX1. Last evaluated: 2022-05-30. Review status: criteria provided, single submitter. Criteria: Invitae Variant Classification Sherloc (09022015). Collection method: clinical testing. Allele origin: germline. Not counted in ClinVar's aggregate classification.
Comment: This sequence change replaces threonine, which is neutral and polar, with isoleucine, which is neutral and non-polar, at codon 148 of the RUNX1 protein (p.Thr148Ile). This variant is not present in population databases (gnomAD no frequency). This variant has not been reported in the literature in individuals affected with RUNX1-related conditions. ClinVar contains an entry for this variant (Variation ID: 1022052). Algorithms developed to predict the effect of missense changes on protein structure and function are either unavailable or do not agree on the potential impact of this missense change (SIFT: "Deleterious"; PolyPhen-2: "Probably Damaging"; Align-GVGD: "Class C0"). In summary, the available evidence is currently insufficient to determine the role of this variant in disease. Therefore, it has been classified as a Variant of Uncertain Significance.

NM_001754.5(RUNX1):c.443C>T (p.Thr148Ile)

Genes: RUNX1 (RUNX family transcription factor 1; minus strand), RUNX1-AS1 (RUNX1 antisense RNA 1; plus strand). Cytogenetic location: 21q22.12.
Variant type: single nucleotide variant.
Coding change: c.443C>T on transcript NM_001754.5 (MANE Select); coding-DNA position 443, C replaced by T.
Protein change: p.Thr148Ile; replaces threonine 148 with isoleucine.
Molecular consequence: missense variant.
Genome position (GRCh38, 1-based): chr21:34,880,622, G>A on the plus strand (C>T on the coding strand, the complement: RUNX1 is on the minus strand). VCF-style: chr21-34880622-G-A. GRCh37 (hg19) VCF-style: chr21-36252919-G-A.
Other names: NM_001754.5(RUNX1):c.443C>T; p.Thr148Ile; c.362C>T, p.Thr121Ile (NM_001122607.2, NM_001001890.3); c.443C>T (NM_001754.4); short protein forms T121I, T148I.
Identifiers: ClinVar variation 1022052 (VCV001022052.10), dbSNP rs2057886829, ClinGen allele CA410202597.